The following is an entry in ClinVar:

NM_001851.6(COL9A1):c.1862A>G (p.Gln621Arg)

Gene: COL9A1 (collagen type IX alpha 1 chain; minus strand). Cytogenetic location: 6q13.
Variant type: single nucleotide variant.
Coding change: c.1862A>G on transcript NM_001851.6 (MANE Select); coding-DNA position 1862, A replaced by G.
Protein change: p.Gln621Arg; replaces glutamine 621 with arginine.
Molecular consequence: missense variant. On other transcripts: non-coding transcript variant (1).
Genome position (GRCh38, 1-based): chr6:70,252,130, T>C on the plus strand (A>G on the coding strand, the complement: COL9A1 is on the minus strand). VCF-style: chr6-70252130-T-C. GRCh37 (hg19) VCF-style: chr6-70961833-T-C.
Other names: c.1163A>G, p.Gln388Arg (NM_001377289.1); c.1133A>G, p.Gln378Arg (NM_001377290.1, NM_078485.4); short protein forms Q621R, Q378R, Q388R.
Identifiers: ClinVar variation 258353 (VCV000258353.22), dbSNP rs1135056, ClinGen allele CA3881975.

ClinVar aggregate classification (germline): Benign/Likely benign. Review status: criteria provided, multiple submitters, no conflicts (2 of 4 stars). 10 submissions from 10 submitters: Benign (6); Likely benign (1). 3 of the submissions do not count toward it. Last evaluated 2026-05-08.

Conditions:
Epiphyseal dysplasia, multiple, 6. Also called: COL9A1-Related Multiple Epiphyseal Dysplasia. Identifiers: MedGen C2675767, MONDO:0013591, OMIM 614135.

Allele frequency attached by ClinVar (database versions not stated): 1000 Genomes Project 0.32668; 1000 Genomes Project 30x 0.32854; gnomAD exomes 0.37113 and 0.39945; TOPMed 0.37522; ExAC 0.37526; gnomAD 0.37863 and 0.38283; ESP Exome Variant Server 0.39151.
gnomAD v4.1: 640,959 of 1,613,484 alleles (40%); highest among the groups gnomAD compares: Non-Finnish European, 42%; 128,924 homozygotes.

Submissions (10):

Women's Health and Genetics/Laboratory Corporation of America, LabCorp
Classification: Likely benign. Last evaluated: 2026-05-08. Review status: criteria provided, single submitter. Criteria: LabCorp Variant Classification Summary - May 2015. Collection method: clinical testing. Allele origin: germline.

Labcorp Genetics (formerly Invitae), Labcorp
Classification: Benign. Last evaluated: 2026-02-04. Review status: criteria provided, single submitter. Criteria: Invitae Variant Classification Sherloc (09022015). Collection method: clinical testing. Allele origin: germline.

Blueprint Genetics
Classification: Benign. Last evaluated: 2024-11-26. Review status: criteria provided, single submitter. Criteria: ACMG Guidelines, 2015. Collection method: clinical testing. Allele origin: germline.

Genome-Nilou Lab
Classification: Benign for Epiphyseal dysplasia, multiple, 6. Last evaluated: 2021-07-30. Review status: criteria provided, single submitter. Criteria: ACMG Guidelines, 2015. Collection method: clinical testing. Allele origin: germline. Affected: no.

Mayo Clinic Laboratories, Mayo Clinic
Classification: Benign. Last evaluated: 2020-06-16. Review status: criteria provided, single submitter. Criteria: ACMG Guidelines, 2015. Collection method: clinical testing. Allele origin: germline. Observed: 99 variant alleles.

GeneDx
Classification: Benign. Last evaluated: 2016-09-30. Review status: criteria provided, single submitter. Criteria: GeneDx Variant Classification (06012015). Collection method: clinical testing. Allele origin: germline. Affected: yes.
Comment: This variant is considered likely benign or benign based on one or more of the following criteria: it is a conservative change, it occurs at a poorly conserved position in the protein, it is predicted to be benign by multiple in silico algorithms, and/or has population frequency not consistent with disease.

PreventionGenetics, part of Exact Sciences
Classification: Benign. Review status: criteria provided, single submitter. Criteria: ACMG Guidelines, 2015. Collection method: clinical testing. Allele origin: germline.

Diagnostic Laboratory, Department of Genetics, University Medical Center Groningen
Classification: Benign. Review status: no assertion criteria provided. Collection method: clinical testing. Allele origin: germline. Affected: yes. Study: VKGL Data-share Consensus. Not counted in ClinVar's aggregate classification.

Genome Diagnostics Laboratory, Amsterdam University Medical Center
Classification: Benign. Review status: no assertion criteria provided. Collection method: clinical testing. Allele origin: germline. Affected: yes. Study: VKGL Data-share Consensus. Not counted in ClinVar's aggregate classification.

Joint Genome Diagnostic Labs from Nijmegen and Maastricht, Radboudumc and MUMC+
Classification: Benign. Review status: no assertion criteria provided. Collection method: clinical testing. Allele origin: germline. Affected: yes. Study: VKGL Data-share Consensus. Not counted in ClinVar's aggregate classification.